The following is an entry in ClinVar:

NM_014515.7(CNOT2):c.1481A>G (p.Tyr494Cys)

Gene: CNOT2 (CCR4-NOT transcription complex subunit 2; plus strand). Cytogenetic location: 12q15.
Variant type: single nucleotide variant.
Coding change: c.1481A>G on transcript NM_014515.7 (MANE Select); coding-DNA position 1481, A replaced by G.
Protein change: p.Tyr494Cys; replaces tyrosine 494 with cysteine.
Molecular consequence: missense variant. On other transcripts: non-coding transcript variant (1).
Genome position (GRCh38, 1-based): chr12:70,346,269, A>G. VCF-style: chr12-70346269-A-G. GRCh37 (hg19) VCF-style: chr12-70740049-A-G.
Other names: c.1481A>G, p.Tyr494Cys (NM_001199302.2, NM_001199303.2, NM_001414651.1 and 1 more transcripts); c.1454A>G, p.Tyr485Cys (NM_001414653.1, NM_001414654.1, NM_001414655.1); c.1439A>G, p.Tyr480Cys (NM_001414656.1); c.1421A>G, p.Tyr474Cys (NM_001414657.1, NM_001414658.1, NM_001414659.1 and 1 more transcripts); c.1358A>G, p.Tyr453Cys (NM_001414661.1); c.1298A>G, p.Tyr433Cys (NM_001414662.1); short protein forms Y494C, Y433C, Y453C, Y474C, Y480C, Y485C.
Identifiers: ClinVar variation 1805868 (VCV001805868.2), dbSNP rs1055640947, ClinGen allele CA239430371.

ClinVar aggregate classification (germline): Uncertain significance. Review status: criteria provided, multiple submitters, no conflicts (2 of 4 stars). 2 submissions from 2 submitters: Uncertain significance (2). Last evaluated 2021-05-06.

Conditions:
Intellectual developmental disorder with nasal speech, dysmorphic facies, and variable skeletal anomalies. Identifiers: MedGen C5231426, MONDO:0032832, OMIM 618608.

Allele frequency attached by ClinVar (database versions not stated): TOPMed below 0.00001.

Submissions (2):

Victorian Clinical Genetics Services, Murdoch Childrens Research Institute
Classification: Uncertain significance for Intellectual developmental disorder with nasal speech, dysmorphic facies, and variable skeletal anomalies. Last evaluated: 2021-05-06. Review status: criteria provided, single submitter. Criteria: ACMG Guidelines, 2015. Collection method: clinical testing. Allele origin: germline. Inheritance: Autosomal dominant inheritance. Affected: yes.
Comment: Based on the classification scheme VCGS_Germline_v1.3.4, this variant is classified as VUS-3B. Following criteria are met: 0102 - Loss of function is a likely mechanism of disease in this gene and is associated with CNOT2-related neurodevelopmental disorder (MIM#618608). (I) 0107 - This gene is associated with autosomal dominant disease. (I) 0200 - Variant is predicted to result in a missense amino acid change from tyrosine to cysteine. (I) 0251 - This variant is heterozygous. (I) 0301 - Variant is absent from gnomAD (both v2 and v3). (SP) 0501 - Missense variant consistently predicted to be damaging by multiple in silico tools or highly conserved with a major amino acid change. (SP) 0600 - Variant is located in the annotated NOT2_3_5 domain (PDB). (I) 0705 - No comparable missense variants have previous evidence for pathogenicity. (I) 0807 - This variant has no previous evidence of pathogenicity. (I) 0905 - No published segregation evidence has been identified for this variant. (I) 1007 - No published functional evidence has been identified for this variant. (I) 1208 - Inheritance information for this variant is not currently available in this individual. (I) Legend: (SP) - Supporting pathogenic, (I) - Information, (SB) - Supporting benign

Breakthrough Genomics
Classification: Uncertain significance. Review status: criteria provided, single submitter. Criteria: ACMG Guidelines, 2015. Collection method: not provided. Allele origin: germline. Inheritance: Autosomal dominant inheritance. Affected: yes.